The following is an entry in ClinVar:

ClinVar aggregate classification (germline): Uncertain significance (1 of 4 stars; one submission).

Conditions:
Distal hereditary motor neuropathy type 2. Identifiers: Orphanet 139525, MedGen C3711384, MeSH C580044, MONDO:0015352.

Submission:

Labcorp Genetics (formerly Invitae), Labcorp
Classification: Uncertain significance for Distal hereditary motor neuropathy type 2. Last evaluated: 2020-10-09. Review status: criteria provided, single submitter. Criteria: Invitae Variant Classification Sherloc (09022015). Collection method: clinical testing. Allele origin: germline.
Comment: This variant, c.218_247del, results in the deletion of 10 amino acid(s) of the FBXO38 protein (p.Val73_Trp82del), but otherwise preserves the integrity of the reading frame. This variant is not present in population databases (ExAC no frequency). This variant has not been reported in the literature in individuals with FBXO38-related conditions. Experimental studies and prediction algorithms are not available or were not evaluated, and the functional significance of this variant is currently unknown. In summary, the available evidence is currently insufficient to determine the role of this variant in disease. Therefore, it has been classified as a Variant of Uncertain Significance.

NM_205836.3(FBXO38):c.218_247del (p.Val73_Trp82del)

Gene: FBXO38 (F-box protein 38; plus strand). Cytogenetic location: 5q32.
Variant type: Deletion.
Coding change: c.218_247del on transcript NM_205836.3 (MANE Select); coding-DNA positions 218 to 247, 30 bases deleted (TTGTAGATCTCTGTGCAGGGCGGTGGTGGG).
Protein change: p.Val73_Trp82del.
Molecular consequence: inframe deletion.
Genome position (GRCh38, 1-based): chr5:148,399,088-148,399,117, TTGTAGATCTCTGTGCAGGGCGGTGGTGGG deleted; deleting any 30 consecutive bases within chr5:148,399,087-148,399,117 gives the same sequence; the c. name uses the placement nearest the transcript's 3' end. VCF-style (leftmost placement, unchanged base first): chr5-148399086-AGTTGTAGATCTCTGTGCAGGGCGGTGGTGG-A. GRCh37 (hg19) VCF-style: chr5-147778649-AGTTGTAGATCTCTGTGCAGGGCGGTGGTGG-A.
Other names: c.218_247del, p.Val73_Trp82del (NM_001271723.2, NM_030793.5).
Identifiers: ClinVar variation 1023704 (VCV001023704.10), dbSNP rs1751992784, ClinGen allele CA1590019180.